The following is an entry in ClinVar:

NM_005138.3(SCO2):c.361G>C (p.Gly121Arg)

Genes: NCAPH2 (non-SMC condensin II complex subunit H2; plus strand), SCO2 (synthesis of cytochrome C oxidase 2; minus strand). Cytogenetic location: 22q13.33.
Variant type: single nucleotide variant.
Coding change: c.361G>C on transcript NM_005138.3 (MANE Select); coding-DNA position 361, G replaced by C.
Protein change: p.Gly121Arg; replaces glycine 121 with arginine.
Molecular consequence: missense variant. On other transcripts: 3 prime UTR variant (2).
Genome position (GRCh38, 1-based): chr22:50,524,051, C>G on the plus strand (G>C on the coding strand, the complement: SCO2 is on the minus strand). VCF-style: chr22-50524051-C-G. GRCh37 (hg19) VCF-style: chr22-50962480-C-G.
Other names: c.*676C>G (NM_001185011.2, NM_152299.4); c.361G>C, p.Gly121Arg (NM_001169109.2, NM_001169110.1, NM_001169111.2); short protein forms G121R.
Identifiers: ClinVar variation 3896987 (VCV003896987.2).
Genomic context (GRCh38, chr22:50,524,051, plus strand): 5'-GCTCGTCTGGGCAGATGTCAGGGCAGTGAGTGAAGCCAAAGTACATCAGCACCCACTGGC[C>G]CCGGAAGTCAGCCTTGCAGCGAGCCCGGCCTCTGTGATCCAGCAGGTGGAAGTCGCCCTG-3'
Protein context (NP_005129.2, residues 111-131): GRARCKADFR[Gly121Arg]QWVLMYFGFT

ClinVar aggregate classification (germline): Uncertain significance. Review status: criteria provided, multiple submitters, no conflicts (2 of 4 stars). 2 submissions from 2 submitters: Uncertain significance (2). Last evaluated 2026-01-24.

Conditions:
Cardioencephalomyopathy, fatal infantile, due to cytochrome c oxidase deficiency 1 (MC4DN2). Also called: CYTOCHROME c OXIDASE DEFICIENCY, FATAL INFANTILE, WITH CARDIOENCEPHALOMYOPATHY; MITOCHONDRIAL COMPLEX IV DEFICIENCY, NUCLEAR TYPE 2. Identifiers: Orphanet 1561, MedGen C5399977, MONDO:0011451, OMIM 604377.

Submissions (2):

3billion
Classification: Uncertain significance for Cardioencephalomyopathy, fatal infantile, due to cytochrome c oxidase deficiency 1. Last evaluated: 2026-01-24. Review status: criteria provided, single submitter. Criteria: ACMG Guidelines, 2015. Collection method: clinical testing. Allele origin: germline. Affected: yes.
Comment: The variant is not observed in the gnomAD v4.1.0 dataset. Predicted Consequence/Location: Missense variant In silico tool predictions suggest damaging effect of the variant on gene or gene product [REVEL: 0.88 (>=0.6, sensitivity 0.68 and specificity 0.92); 3Cnet: 0.48 (> 0.75, sensitivity 0.96 and precision 0.92)]. The same nucleotide change resulting in the same amino acid change has been previously reported to be associated with SCO2-related disorder (PMID: 35112411).The variant has been reported to be in trans with a pathogenic variant as either compound heterozygous or homozygous in at least one similarly affected unrelated individual (PMID: 35112411). The variant has been reported to co-segregate with the disease in at least one similarly affected relative/individual in the same family or similarly affected unrelated families (PMID: 35112411). Therefore, this variant is classified as VUS according to the recommendation of ACMG/AMP guideline.

Kariminejad - Najmabadi Pathology & Genetics Center
Classification: Uncertain significance for Cardioencephalomyopathy, fatal infantile, due to cytochrome c oxidase deficiency 1. Last evaluated: 2021-05-12. Review status: criteria provided, single submitter. Criteria: ACMG Guidelines, 2015. Collection method: clinical testing. Allele origin: germline. Inheritance: Autosomal recessive inheritance. Affected: yes.
Comment: PM1 PM2 PP3

Literature cited by the submitters: PubMed 35112411 (cited by 3billion).